The following is an entry in ClinVar:

ClinVar aggregate classification (germline): Uncertain significance (1 of 4 stars; one submission).

Conditions:
Peroxisome biogenesis disorder. Identifiers: Orphanet 79189, MedGen C1832200, MONDO:0019234. Disease mechanism: loss of function.

Allele frequency attached by ClinVar (database versions not stated): ExAC 0.00001.
gnomAD v4.1: 10 of 1,613,946 alleles (0.00062%); highest among the groups gnomAD compares: Non-Finnish European, 0.00085%; no homozygotes.

Submission:

Labcorp Genetics (formerly Invitae), Labcorp
Classification: Uncertain significance for Peroxisome biogenesis disorder. Last evaluated: 2021-09-02. Review status: criteria provided, single submitter. Criteria: Invitae Variant Classification Sherloc (09022015). Collection method: clinical testing. Allele origin: germline.
Comment: This sequence change replaces asparagine with lysine at codon 55 of the PEX16 protein (p.Asn55Lys). The asparagine residue is highly conserved and there is a moderate physicochemical difference between asparagine and lysine. This variant is present in population databases (rs746381331, ExAC 0.001%). This variant has not been reported in the literature in individuals affected with PEX16-related conditions. Algorithms developed to predict the effect of missense changes on protein structure and function are either unavailable or do not agree on the potential impact of this missense change (SIFT: "Deleterious"; PolyPhen-2: "Possibly Damaging"; Align-GVGD: "Class C0"). Algorithms developed to predict the effect of sequence changes on RNA splicing suggest that this variant may create or strengthen a splice site. In summary, the available evidence is currently insufficient to determine the role of this variant in disease. Therefore, it has been classified as a Variant of Uncertain Significance.

NM_004813.4(PEX16):c.165C>G (p.Asn55Lys)

Gene: PEX16 (peroxisomal biogenesis factor 16; minus strand). Cytogenetic location: 11p11.2.
Variant type: single nucleotide variant.
Coding change: c.165C>G on transcript NM_004813.4 (MANE Select); coding-DNA position 165, C replaced by G.
Protein change: p.Asn55Lys; replaces asparagine 55 with lysine.
Molecular consequence: missense variant.
Genome position (GRCh38, 1-based): chr11:45,916,287, G>C on the plus strand (C>G on the coding strand, the complement: PEX16 is on the minus strand). VCF-style: chr11-45916287-G-C. GRCh37 (hg19) VCF-style: chr11-45937838-G-C.
Other names: c.165C>G, p.Asn55Lys (NM_057174.3); short protein forms N55K.
Identifiers: ClinVar variation 1421364 (VCV001421364.5), dbSNP rs746381331, ClinGen allele CA5960072.